The following is an entry in ClinVar:

ClinVar aggregate classification (germline): Uncertain significance. Review status: criteria provided, multiple submitters, no conflicts (2 of 4 stars). 2 submissions from 2 submitters: Uncertain significance (2). Last evaluated 2025-08-11.

Conditions:
Autosomal dominant Parkinson disease 8. Also called: LRRK2-Related Parkinson Disease; Parkinson disease 8; Parkinson disease 8, susceptibility to. Identifiers: Orphanet 411602, MedGen C1846862, MONDO:0011764, OMIM 607060.

Allele frequency attached by ClinVar (database versions not stated): TOPMed 0.00005; ExAC 0.00004; gnomAD exomes 0.00008.
gnomAD v4.1: 58 of 1,614,082 alleles (0.0036%); highest among the groups gnomAD compares: Admixed American, 0.053%; no homozygotes.

Submissions (2):

Labcorp Genetics (formerly Invitae), Labcorp
Classification: Uncertain significance for Autosomal dominant Parkinson disease 8. Last evaluated: 2025-08-11. Review status: criteria provided, single submitter. Criteria: Invitae Variant Classification Sherloc (09022015). Collection method: clinical testing. Allele origin: germline.
Comment: This sequence change replaces glutamine, which is neutral and polar, with histidine, which is basic and polar, at codon 103 of the LRRK2 protein (p.Gln103His). This variant is present in population databases (rs200926937, gnomAD 0.05%), and has an allele count higher than expected for a pathogenic variant. This missense change has been observed in individual(s) with Parkinson disease (PMID: 29887346). ClinVar contains an entry for this variant (Variation ID: 859873). Invitae Evidence Modeling of protein sequence and biophysical properties (such as structural, functional, and spatial information, amino acid conservation, physicochemical variation, residue mobility, and thermodynamic stability) indicates that this missense variant is not expected to disrupt LRRK2 protein function with a negative predictive value of 80%. In summary, the available evidence is currently insufficient to determine the role of this variant in disease. Therefore, it has been classified as a Variant of Uncertain Significance.

Fulgent Genetics
Classification: Uncertain significance for Autosomal dominant Parkinson disease 8. Last evaluated: 2022-04-01. Review status: criteria provided, single submitter. Criteria: ACMG Guidelines, 2015. Collection method: clinical testing. Allele origin: unknown.

Literature cited by the submitters: PubMed 29887346 (cited by Labcorp Genetics (formerly Invitae), Labcorp).

NM_198578.4(LRRK2):c.309G>C (p.Gln103His)

Gene: LRRK2 (leucine rich repeat kinase 2; plus strand). Cytogenetic location: 12q12.
Variant type: single nucleotide variant.
Coding change: c.309G>C on transcript NM_198578.4 (MANE Select); coding-DNA position 309, G replaced by C.
Protein change: p.Gln103His; replaces glutamine 103 with histidine.
Molecular consequence: missense variant.
Genome position (GRCh38, 1-based): chr12:40,232,345, G>C. VCF-style: chr12-40232345-G-C. GRCh37 (hg19) VCF-style: chr12-40626147-G-C.
Other names: short protein forms Q103H.
Identifiers: ClinVar variation 859873 (VCV000859873.7), dbSNP rs200926937, ClinGen allele CA6513042.